The following is an entry in ClinVar:

ClinVar aggregate classification (germline): Benign/Likely benign. Review status: criteria provided, multiple submitters, no conflicts (2 of 4 stars). 5 submissions from 5 submitters: Benign (1); Likely benign (3). 1 of the submissions does not count toward it. Last evaluated 2026-02-02.

Conditions:
Colorectal cancer, susceptibility to, 12 (CRCS12). Also called: COLORECTAL CANCER, SUSCEPTIBILITY TO, ON CHROMOSOME 12q24. Identifiers: Orphanet 220460, MedGen C3554460, MONDO:0014038, OMIM 615083.

Allele frequency attached by ClinVar (database versions not stated): gnomAD 0.00004; ExAC 0.00007; gnomAD exomes 0.00013; ESP Exome Variant Server 0.00969; 1000 Genomes Project 0.01198.
gnomAD v4.1: 128 of 1,607,094 alleles (0.008%); highest among the groups gnomAD compares: Non-Finnish European, 0.0096%; no homozygotes.

Submissions (5):

Labcorp Genetics (formerly Invitae), Labcorp
Classification: Benign. Last evaluated: 2026-02-02. Review status: criteria provided, single submitter. Criteria: Invitae Variant Classification Sherloc (09022015). Collection method: clinical testing. Allele origin: germline.

Center for Genomic Medicine, Rigshospitalet, Copenhagen University Hospital
Classification: Likely benign. Last evaluated: 2025-03-04. Review status: criteria provided, single submitter. Criteria: ACMG Guidelines, 2015. Collection method: clinical testing. Allele origin: germline.

Blueprint Genetics
Classification: Likely benign. Last evaluated: 2024-07-05. Review status: criteria provided, single submitter. Criteria: ACMG Guidelines, 2015. Collection method: clinical testing. Allele origin: germline.

GeneDx
Classification: Likely benign. Last evaluated: 2017-09-08. Review status: criteria provided, single submitter. Criteria: GeneDx Variant Classification (06012015). Collection method: clinical testing. Allele origin: germline. Affected: yes.
Comment: This variant is considered likely benign or benign based on one or more of the following criteria: it is a conservative change, it occurs at a poorly conserved position in the protein, it is predicted to be benign by multiple in silico algorithms, and/or has population frequency not consistent with disease.

Counsyl
Classification: Benign for Colorectal cancer, susceptibility to, 12. Last evaluated: 2016-07-15. Review status: no assertion criteria provided. Collection method: clinical testing. Allele origin: unknown. Not counted in ClinVar's aggregate classification.

NM_006231.4(POLE):c.3275+16A>G

Gene: POLE (DNA polymerase epsilon, catalytic subunit; minus strand). Cytogenetic location: 12q24.33.
Variant type: single nucleotide variant.
Coding change: c.3275+16A>G on transcript NM_006231.4 (MANE Select); 16 bases into the intron after coding-DNA position 3275, A replaced by G.
Molecular consequence: intron variant.
Genome position (GRCh38, 1-based): chr12:132,659,279, T>C on the plus strand (A>G on the coding strand, the complement: POLE is on the minus strand). VCF-style: chr12-132659279-T-C. GRCh37 (hg19) VCF-style: chr12-133235865-T-C.
Identifiers: ClinVar variation 371886 (VCV000371886.13), dbSNP rs5744858, ClinGen allele CA6893316.